The following is an entry in ClinVar:

NM_017777.4(MKS1):c.1323G>A (p.Thr441=)

Gene: MKS1 (MKS transition zone complex subunit 1; minus strand). Cytogenetic location: 17q22.
Variant type: single nucleotide variant.
Coding change: c.1323G>A on transcript NM_017777.4 (MANE Select); coding-DNA position 1323, G replaced by A.
Protein change: p.Thr441=; no amino-acid change (threonine 441 retained).
Molecular consequence: synonymous variant. On other transcripts: intron variant (1).
Genome position (GRCh38, 1-based): chr17:58,207,169, C>T on the plus strand (G>A on the coding strand, the complement: MKS1 is on the minus strand). VCF-style: chr17-58207169-C-T. GRCh37 (hg19) VCF-style: chr17-56284530-C-T.
Other names: c.1323G>A (NM_017777.3); c.714G>A, p.Thr238= (NM_001321268.2); c.1323G>A, p.Thr441= (NM_001321269.2); c.1273+725G>A (NM_001330397.2).
Identifiers: ClinVar variation 1083433 (VCV001083433.11), dbSNP rs781038098, ClinGen allele CA8669166.
Genomic context (GRCh38, chr17:58,207,169, plus strand): 5'-ATAGGAGAGGTCCTCCAGTTCCAGAGAACCGCCAATGAAAAACCTCCTCAGCTCAGCCAC[C>T]GTGCCAAGCTCCACAGGTCTCCACGTGGAGACTGTCAGGGTGTGTGAGCCTGCGCAAGGG-3'
Protein context (NP_060247.2, residues 431-451): VSTWRPVELG[Thr441=]VAELRRFFIG

ClinVar aggregate classification (germline): Likely benign. Review status: criteria provided, multiple submitters, no conflicts (2 of 4 stars). 3 submissions from 3 submitters: Likely benign (3). Last evaluated 2025-07-11.

Conditions:
MKS1-related disorder. Also called: MKS1-related disorders; MKS1-related condition. Identifiers: MedGen CN239382.
Meckel-Gruber syndrome. Also called: Dysencephalia splachnocystica; DYSENCEPHALIA SPLANCHNOCYSTICA; GRUBER SYNDROME. Identifiers: Orphanet 564, MedGen C0265215, MONDO:0018921.
Joubert syndrome. Also called: JOUBERT-BOLTSHAUSER SYNDROME; Familial aplasia of the vermis. Identifiers: Orphanet 475, MedGen C5979921, MONDO:0018772.

Allele frequency attached by ClinVar (database versions not stated): TOPMed 0.00001.
gnomAD v4.1: 13 of 1,614,158 alleles (0.00081%); highest among the groups gnomAD compares: East Asian, 0.0089%; no homozygotes.

Submissions (3):

PreventionGenetics, part of Exact Sciences
Classification: Likely benign for MKS1-related condition. Last evaluated: 2025-07-11. Review status: criteria provided, single submitter. Criteria: ACMG Guidelines, 2015. Collection method: clinical testing. Allele origin: germline.
Comment: This variant is classified as likely benign based on ACMG/AMP sequence variant interpretation guidelines (Richards et al. 2015 PMID: 25741868, with internal and published modifications).

Labcorp Genetics (formerly Invitae), Labcorp
Classification: Likely benign for Joubert syndrome; Meckel-Gruber syndrome. Last evaluated: 2025-04-23. Review status: criteria provided, single submitter. Criteria: Invitae Variant Classification Sherloc (09022015). Collection method: clinical testing. Allele origin: germline.

Blueprint Genetics
Classification: Likely benign. Last evaluated: 2020-05-12. Review status: criteria provided, single submitter. Criteria: ACMG Guidelines, 2015. Collection method: clinical testing. Allele origin: germline.